The following is an entry in ClinVar:

ClinVar aggregate classification (germline): Uncertain significance (1 of 4 stars; one submission).

Allele frequency attached by ClinVar (database versions not stated): gnomAD exomes 0.00001 and 0.00002; ExAC 0.00003; TOPMed 0.00010; gnomAD 0.00011; 1000 Genomes Project 0.00020; ESP Exome Variant Server 0.00023; 1000 Genomes Project 30x 0.00031.
gnomAD v4.1: 29 of 1,614,028 alleles (0.0018%); highest among the groups gnomAD compares: African/African-American, 0.037%; no homozygotes.

Submission:

Labcorp Genetics (formerly Invitae), Labcorp
Classification: Uncertain significance. Last evaluated: 2026-01-18. Review status: criteria provided, single submitter. Criteria: Invitae Variant Classification Sherloc (09022015). Collection method: clinical testing. Allele origin: germline.
Comment: This sequence change replaces lysine, which is basic and polar, with arginine, which is basic and polar, at codon 169 of the LAMC3 protein (p.Lys169Arg). This variant is present in population databases (rs376296082, gnomAD 0.05%). This variant has not been reported in the literature in individuals affected with LAMC3-related conditions. ClinVar contains an entry for this variant (Variation ID: 1492785). An algorithm developed to predict the effect of missense changes on protein structure and function outputs the following: PolyPhen-2: "Benign". The arginine amino acid residue is found in multiple mammalian species, which suggests that this missense change does not adversely affect protein function. In summary, the available evidence is currently insufficient to determine the role of this variant in disease. Therefore, it has been classified as a Variant of Uncertain Significance.

NM_006059.4(LAMC3):c.506A>G (p.Lys169Arg)

Gene: LAMC3 (laminin subunit gamma 3; plus strand). Cytogenetic location: 9q34.12.
Variant type: single nucleotide variant.
Coding change: c.506A>G on transcript NM_006059.4 (MANE Select); coding-DNA position 506, A replaced by G.
Protein change: p.Lys169Arg; replaces lysine 169 with arginine.
Molecular consequence: missense variant.
Genome position (GRCh38, 1-based): chr9:131,026,417, A>G. VCF-style: chr9-131026417-A-G. GRCh37 (hg19) VCF-style: chr9-133901804-A-G.
Other names: short protein forms K169R.
Identifiers: ClinVar variation 1492785 (VCV001492785.5), dbSNP rs376296082, ClinGen allele CA5286710.